The following is an entry in ClinVar:

ClinVar aggregate classification (germline): Uncertain significance (1 of 4 stars; one submission).

Allele frequency attached by ClinVar (database versions not stated): ExAC 0.00008; TOPMed 0.00015; gnomAD 0.00017.
gnomAD v4.1: 51 of 1,613,118 alleles (0.0032%); highest among the groups gnomAD compares: African/African-American, 0.053%; no homozygotes.

Submission:

GeneDx
Classification: Uncertain significance. Last evaluated: 2024-04-19. Review status: criteria provided, single submitter. Criteria: GeneDx Variant Classification Process June 2021. Collection method: clinical testing. Allele origin: germline.
Comment: In silico analysis supports that this missense variant does not alter protein structure/function; Has not been previously published as pathogenic or benign to our knowledge

NM_194323.3(OTOF):c.3563A>G (p.Lys1188Arg)

Gene: OTOF (otoferlin; minus strand). Cytogenetic location: 2p23.3.
Variant type: single nucleotide variant.
Coding change: c.3563A>G on transcript NM_194323.3 (MANE Plus Clinical); coding-DNA position 3563, A replaced by G.
Protein change: p.Lys1188Arg; replaces lysine 1188 with arginine.
Molecular consequence: missense variant. On other transcripts: 3 prime UTR variant (3).
Genome position (GRCh38, 1-based): chr2:26,458,170, T>C on the plus strand (A>G on the coding strand, the complement: OTOF is on the minus strand). VCF-style: chr2-26458170-T-C. GRCh37 (hg19) VCF-style: chr2-26681038-T-C.
Other names: c.5864A>G, p.Lys1955Arg (NM_001287489.2); c.*68A>G (NM_004802.4, NM_194248.3, NM_194322.3); short protein forms K1188R, K1955R.
Identifiers: ClinVar variation 2428934 (VCV002428934.4), dbSNP rs867287930, ClinGen allele CA1562628.
Genomic context (GRCh38, chr2:26,458,170, plus strand): 5'-CCCAACAGCGCCAGCACGATCTTGATGATGAGCCACTTGTACCGGGTGCAGATGAGGTAC[T>C]TGATGGACTTGAGAGGGTTGAGGAACCAGACGAAGGCCGTGTCGGGCCGGCTGGGAAGTG-3'
Protein context (NP_919304.1, residues 1178-1198): VWFLNPLKSI[Lys1188Arg]YLICTRYKWL